The following is an entry in ClinVar:

NM_000214.3(JAG1):c.3449G>A (p.Arg1150Lys)

Gene: JAG1 (jagged canonical Notch ligand 1; minus strand). Cytogenetic location: 20p12.2.
Variant type: single nucleotide variant.
Coding change: c.3449G>A on transcript NM_000214.3 (MANE Select); coding-DNA position 3449, G replaced by A.
Protein change: p.Arg1150Lys; replaces arginine 1150 with lysine.
Molecular consequence: missense variant.
Genome position (GRCh38, 1-based): chr20:10,639,706, C>T on the plus strand (G>A on the coding strand, the complement: JAG1 is on the minus strand). VCF-style: chr20-10639706-C-T. GRCh37 (hg19) VCF-style: chr20-10620354-C-T.
Other names: short protein forms R1150K.
Identifiers: ClinVar variation 4614295 (VCV004614295.3).

ClinVar aggregate classification (germline): Uncertain significance. Review status: criteria provided, multiple submitters, no conflicts (2 of 4 stars). 3 submissions from 3 submitters: Uncertain significance (3). Last evaluated 2026-09-09.

Conditions:
JAG1-related disorder. Also called: JAG1-related disorders; JAG1-related condition.
Cardiovascular phenotype. Identifiers: MedGen CN230736.

gnomAD v4.1: 13 of 1,614,024 alleles (0.00081%); highest among the groups gnomAD compares: Non-Finnish European, 0.0011%; no homozygotes.

Submissions (3):

PreventionGenetics, part of Exact Sciences
Classification: Uncertain significance for JAG1-related condition. Last evaluated: 2026-09-09. Review status: criteria provided, single submitter. Criteria: ACMG Guidelines, 2015. Collection method: clinical testing. Allele origin: germline.
Comment: The JAG1 c.3449G>A variant is predicted to result in the amino acid substitution p.Arg1150Lys. To our knowledge, this variant has not been reported in the literature or in a large population database (gnomAD), indicating this variant is rare. At this time, the clinical significance of this variant is uncertain due to the absence of conclusive functional and genetic evidence.

Ambry Genetics
Classification: Uncertain significance for Cardiovascular phenotype. Last evaluated: 2025-11-11. Review status: criteria provided, single submitter. Criteria: Ambry Variant Classification Scheme 2023. Collection method: clinical testing. Allele origin: germline.

Blueprint Genetics
Classification: Uncertain significance. Last evaluated: 2022-06-13. Review status: criteria provided, single submitter. Criteria: ACMG Guidelines, 2015. Collection method: clinical testing. Allele origin: germline.